The following is an entry in ClinVar:

NM_172245.4(CSF2RA):c.*49G>A

Gene: CSF2RA (colony stimulating factor 2 receptor subunit alpha; plus strand). Cytogenetic location: Xp22.33.
Variant type: single nucleotide variant.
Coding change: c.*49G>A on transcript NM_172245.4 (MANE Select); 49 bases downstream of the stop codon, G replaced by A.
Molecular consequence: 3 prime UTR variant. On other transcripts: missense variant (1), non-coding transcript variant (1), intron variant (6).
Genome position (GRCh38, 1-based): chrX:1,309,528, G>A. VCF-style: chrX-1309528-G-A. GRCh37 (hg19) VCF-style: chrX-1428421-G-A.
Other names: c.*49G>A (NM_001161529.2, NM_001161530.2, NM_001161532.2 and 8 more transcripts); c.*153G>A (NM_001379167.1, NM_001379168.1, NM_001379169.1 and 2 more transcripts); c.1073G>A, p.Arg358Gln (NM_172246.4); c.1125+4001G>A (NM_001379163.1, NM_001379162.1, NM_001379164.1 and 2 more transcripts); c.1126-2741G>A (NM_001379159.1); short protein forms R358Q.
Identifiers: ClinVar variation 3036043 (VCV003036043.4), dbSNP rs28722602, ClinGen allele CA10331306.
Genomic context (GRCh38, chrX:1,309,528, plus strand): 5'-GAAATTACCTGAGACCCAGAGGGTGTAGGAATGGCATGGACATCTCCGCCTCCGCGACAC[G>A]GGGGAACTGTTTTCTTGATGATGCTGTGAACCTTTATATCATTTTCTATGTTTTTATTTA-3'

ClinVar aggregate classification (germline): Benign/Likely benign. Review status: criteria provided, multiple submitters, no conflicts (2 of 4 stars). 3 submissions from 3 submitters: Benign (1); Likely benign (1). 1 of the submissions does not count toward it. Last evaluated 2024-11-28.

Conditions:
CSF2RA-related disorder. Also called: CSF2RA-related condition.

Allele frequency attached by ClinVar (database versions not stated): 1000 Genomes Project 0.00662; 1000 Genomes Project 30x 0.00957.
gnomAD v4.1: 19,585 of 1,613,780 alleles (1.2%); highest among the groups gnomAD compares: South Asian, 3%; 195 homozygotes.

Submissions (3):

Blueprint Genetics
Classification: Likely benign. Last evaluated: 2024-11-28. Review status: criteria provided, single submitter. Criteria: ACMG Guidelines, 2015. Collection method: clinical testing. Allele origin: germline.

Laboratory for Molecular Medicine, Mass General Brigham Personalized Medicine
Classification: Benign. Last evaluated: 2022-07-01. Review status: criteria provided, single submitter. Criteria: ACMG Guidelines, 2015. Collection method: clinical testing. Allele origin: germline.
Comment: p.Arg358Gln in exon 11 of CSF2RA: This variant is not expected to have clinical significance because it has been identified in 3% (927/30780) of South Asian chromosomes, including 17 homozygotes and 1.2% (1538/128868) of European chromosomes, including 13 homozygotes by gnomAD. ACMG/AMP Criteria applied: BA1; BP4.

PreventionGenetics, part of Exact Sciences
Classification: Likely benign for CSF2RA-related condition. Last evaluated: 2022-05-10. Review status: no assertion criteria provided. Collection method: clinical testing. Allele origin: germline. Not counted in ClinVar's aggregate classification.
Comment: This variant is classified as likely benign based on ACMG/AMP sequence variant interpretation guidelines (Richards et al. 2015 PMID: 25741868, with internal and published modifications).